The following is an entry in ClinVar:

NM_000016.6(ACADM):c.1190A>C (p.Tyr397Ser)

Gene: ACADM (acyl-CoA dehydrogenase medium chain; plus strand). Cytogenetic location: 1p31.1.
Variant type: single nucleotide variant.
Coding change: c.1190A>C on transcript NM_000016.6 (MANE Select); coding-DNA position 1190, A replaced by C.
Protein change: p.Tyr397Ser; replaces tyrosine 397 with serine.
Molecular consequence: missense variant.
Genome position (GRCh38, 1-based): chr1:75,761,366, A>C. VCF-style: chr1-75761366-A-C. GRCh37 (hg19) VCF-style: chr1-76227051-A-C.
Other names: c.1202A>C, p.Tyr401Ser (NM_001127328.3); c.1082A>C, p.Tyr361Ser (NM_001286042.2); c.1289A>C, p.Tyr430Ser (NM_001286043.2); c.623A>C, p.Tyr208Ser (NM_001286044.2); short protein forms Y397S, Y208S, Y361S, Y401S, Y430S.
Identifiers: ClinVar variation 528453 (VCV000528453.8), dbSNP rs1553127216, ClinGen allele CA340818359.

ClinVar aggregate classification (germline): Pathogenic (1 of 4 stars; one submission).

Conditions:
Medium-chain acyl-coenzyme A dehydrogenase deficiency (ACADMD). Also called: CARNITINE DEFICIENCY SECONDARY TO MEDIUM-CHAIN ACYL-CoA DEHYDROGENASE DEFICIENCY; MCADH DEFICIENCY; MCADD; Medium chain acyl-CoA dehydrogenase deficiency; MCAD Deficiency; ACADM DEFICIENCY. Identifiers: Orphanet 42, MedGen C0220710, MONDO:0008721, OMIM 201450.

Submission:

Labcorp Genetics (formerly Invitae), Labcorp
Classification: Pathogenic for Medium-chain acyl-coenzyme A dehydrogenase deficiency. Last evaluated: 2018-01-25. Review status: criteria provided, single submitter. Criteria: Invitae Variant Classification Sherloc (09022015). Collection method: clinical testing. Allele origin: germline.
Comment: This sequence change replaces tyrosine with serine at codon 397 of the ACADM protein (p.Tyr397Ser). The tyrosine residue is highly conserved and there is a large physicochemical difference between tyrosine and serine. This variant is not present in population databases (ExAC no frequency). This finding is consistent with autosomal recessive inheritance, and suggests that this variant contributes to disease. Algorithms developed to predict the effect of missense changes on protein structure and function (SIFT, PolyPhen-2, Align-GVGD) all suggest that this variant is likely to be disruptive, but these predictions have not been confirmed by published functional studies and their clinical significance is uncertain. A different missense substitution at this codon (p.Tyr397Asn) has been determined to be pathogenic (PMID: 18075239, 26947917, 21239873). This suggests that the tyrosine residue is critical for ACADM protein function and that other missense substitutions at this position may also be pathogenic. For these reasons, this variant has been classified as Pathogenic.

Literature cited by the submitters: PubMed 18075239; PubMed 26947917; PubMed 21239873.